The following is an entry in ClinVar:

NC_000006.11:g.(?_105175968)_(105259269_105280916)del

Gene: HACE1 (HECT domain and ankyrin repeat containing E3 ubiquitin protein ligase 1; minus strand). Cytogenetic location: 6q16.3.
Variant type: Deletion.
Identifiers: ClinVar variation 4689681 (VCV004689681.1).

ClinVar aggregate classification (germline): Pathogenic (1 of 4 stars; one submission).

Conditions:
Spastic paraplegia-severe developmental delay-epilepsy syndrome. Also called: Spastic paraplegia and psychomotor retardation with or without seizures. Identifiers: Orphanet 464282, MedGen C4225215, MONDO:0014764, OMIM 616756.

Submission:

Women's Health and Genetics/Laboratory Corporation of America, LabCorp
Classification: Pathogenic for Spastic paraplegia-severe developmental delay-epilepsy syndrome. Last evaluated: 2026-01-02. Review status: criteria provided, single submitter. Criteria: LabCorp Variant Classification Summary - May 2015. Collection method: clinical testing. Allele origin: germline.
Comment: Variant summary: The variant involves the deletion of exons 7-24 in the HACE1 gene. A presumed nomenclature of c.(534+1_535-1)_(*1569_?)del has been designated for the purposes of this classification. The exact breakpoint at the distal 3' end of this variant is unknown, therefore this deletion may extend downstream of the annotated region of the gene. As it encompasses the termination codon, it is predicted to escape nonsense mediated decay (NMD). Loss-of-function variants in this gene are known to be pathogenic. The variant was absent in 21694 control chromosomes. To our knowledge, no occurrence of c.(534+1_535-1)_(*1569_?)del in individuals affected with HACE1-related conditions and no experimental evidence demonstrating its impact on protein function have been reported. However, at least one variant within the deleted region has been classified as likely pathogenic, supporting the critical relevance of this region for protein function. No submitters have cited clinical-significance assessments for this variant to ClinVar. Based on the evidence outlined above, the variant was classified as pathogenic.